The following is an entry in ClinVar:

NM_014675.5(CROCC):c.5901G>A (p.Gln1967=)

Gene: CROCC (ciliary rootlet coiled-coil, rootletin; plus strand). Cytogenetic location: 1p36.13.
Variant type: single nucleotide variant.
Coding change: c.5901G>A on transcript NM_014675.5 (MANE Select); coding-DNA position 5901, G replaced by A.
Protein change: p.Gln1967=; no amino-acid change (glutamine 1967 retained).
Molecular consequence: synonymous variant.
Genome position (GRCh38, 1-based): chr1:16,971,581, G>A. VCF-style: chr1-16971581-G-A. GRCh37 (hg19) VCF-style: chr1-17298076-G-A.
Identifiers: ClinVar variation 4872033 (VCV004872033.2).

ClinVar aggregate classification (germline): Likely benign (1 of 4 stars; one submission).

gnomAD v4.1: 11,916 of 1,533,908 alleles (0.78%); highest among the groups gnomAD compares: Middle Eastern, 1.4%; 81 homozygotes.

Submission:

CeGaT Center for Human Genetics Tuebingen
Classification: Likely benign. Last evaluated: 2026-09-01. Review status: criteria provided, single submitter. Criteria: CeGaT Center For Human Genetics Tuebingen Variant Classification Criteria Version 2. Collection method: clinical testing. Allele origin: germline. Affected: yes. Observed: 2 variant alleles.
Comment: CROCC: BP4, BS2